The following is an entry in ClinVar:

NM_004006.3(DMD):c.5449-12_5449-10del

Gene: DMD (dystrophin; minus strand). Cytogenetic location: Xp21.1.
Variant type: Microsatellite.
Coding change: c.5449-12_5449-10del on transcript NM_004006.3 (MANE Select); 12 bases into the intron before coding-DNA position 5449 through 10 bases into the intron before coding-DNA position 5449, 3 bases deleted (GTT; older notation c.5449-12_5449-10delGTT).
Molecular consequence: intron variant.
Genome position (GRCh38, 1-based): chrX:32,346,090-32,346,092, AAC deleted on the plus strand (GTT on the coding strand, the reverse complement: DMD is on the minus strand); deleting any 3 consecutive bases within chrX:32,346,090-32,346,097 gives the same sequence; the c. name uses the placement nearest the transcript's 3' end. VCF-style (leftmost placement, unchanged base first): chrX-32346089-AAAC-A. GRCh37 (hg19) VCF-style: chrX-32364206-AAAC-A.
Other names: c.5449-12_5449-10delGTT (NM_004006.2); c.5425-12_5425-10del (NM_000109.4); c.1426-12_1426-10del (NM_004011.4); c.1417-12_1417-10del (NM_004012.4); c.5437-12_5437-10del (NM_004009.3); c.5080-12_5080-10del (NM_004010.3).
Identifiers: ClinVar variation 239607 (VCV000239607.18), dbSNP rs745728411, ClinGen allele CA10378679.

ClinVar aggregate classification (germline): Likely benign. Review status: criteria provided, multiple submitters, no conflicts (2 of 4 stars). 4 submissions from 4 submitters: Likely benign (3). 1 of the submissions does not count toward it. Last evaluated 2026-02-03.

Conditions:
Cardiomyopathy (CMYO). Also called: Cardiomyopathies. Identifiers: Orphanet 167848, MedGen C0878544, MONDO:0004994, HP:0001638. Inheritance: Various modes of inheritance.
Becker muscular dystrophy (BMD). Also called: MUSCULAR DYSTROPHY, PSEUDOHYPERTROPHIC PROGRESSIVE, BECKER TYPE; Becker Muscular Dystrophy (BMD). Identifiers: Orphanet 98895, MedGen C0917713, MONDO:0010311, OMIM 300376.
Duchenne muscular dystrophy (DMD). Also called: Duchenne Muscular Dystrophy (DMD); MUSCULAR DYSTROPHY, PSEUDOHYPERTROPHIC PROGRESSIVE, DUCHENNE TYPE. Identifiers: Orphanet 98896, MedGen C0013264, MONDO:0010679, OMIM 310200.
Dystrophin deficiency.

Submissions (4):

Labcorp Genetics (formerly Invitae), Labcorp
Classification: Likely benign for Duchenne muscular dystrophy. Last evaluated: 2026-02-03. Review status: criteria provided, single submitter. Criteria: Invitae Variant Classification Sherloc (09022015). Collection method: clinical testing. Allele origin: germline.

GeneDx
Classification: Likely benign. Last evaluated: 2022-08-22. Review status: criteria provided, single submitter. Criteria: GeneDx Variant Classification Process June 2021. Collection method: clinical testing. Allele origin: germline. Affected: yes.
Comment: See Variant Classification Assertion Criteria.

Blueprint Genetics
Classification: Likely benign. Last evaluated: 2020-10-26. Review status: criteria provided, single submitter. Criteria: ACMG Guidelines, 2015. Collection method: clinical testing. Allele origin: germline.

Natera, Inc.
Classification: Likely benign for Becker muscular dystrophy; Cardiomyopathy; Duchenne muscular dystrophy; Dystrophin deficiency. Last evaluated: 2019-07-19. Review status: no assertion criteria provided. Collection method: clinical testing. Allele origin: germline. Not counted in ClinVar's aggregate classification.